The following is an entry in ClinVar:

NM_003738.5(PTCH2):c.2361C>G (p.Asn787Lys)

Gene: PTCH2 (patched 2; minus strand). Cytogenetic location: 1p34.1.
Variant type: single nucleotide variant.
Coding change: c.2361C>G on transcript NM_003738.5 (MANE Select); coding-DNA position 2361, C replaced by G.
Protein change: p.Asn787Lys; replaces asparagine 787 with lysine.
Molecular consequence: missense variant.
Genome position (GRCh38, 1-based): chr1:44,827,412, G>C on the plus strand (C>G on the coding strand, the complement: PTCH2 is on the minus strand). VCF-style: chr1-44827412-G-C. GRCh37 (hg19) VCF-style: chr1-45293084-G-C.
Other names: c.2361C>G, p.Asn787Lys (NM_001166292.2); short protein forms N787K.
Identifiers: ClinVar variation 662125 (VCV000662125.9), dbSNP rs1573645402, ClinGen allele CA340096003.

ClinVar aggregate classification (germline): Uncertain significance (1 of 4 stars; one submission).

Conditions:
Gorlin syndrome. Also called: Nevoid Basal Cell Carcinoma Syndrome; Basal cell nevus syndrome. Identifiers: Orphanet 377, MedGen C0004779, MONDO:0007187.

Submission:

Labcorp Genetics (formerly Invitae), Labcorp
Classification: Uncertain significance for Gorlin syndrome. Last evaluated: 2018-09-12. Review status: criteria provided, single submitter. Criteria: Invitae Variant Classification Sherloc (09022015). Collection method: clinical testing. Allele origin: germline.
Comment: In summary, the available evidence is currently insufficient to determine the role of this variant in disease. Therefore, it has been classified as a Variant of Uncertain Significance. Algorithms developed to predict the effect of missense changes on protein structure and function (SIFT, PolyPhen-2, Align-GVGD) all suggest that this variant is likely to be tolerated, but these predictions have not been confirmed by published functional studies and their clinical significance is uncertain. This variant has not been reported in the literature in individuals with PTCH2-related disease. This variant is not present in population databases (ExAC no frequency). This sequence change replaces asparagine with lysine at codon 787 of the PTCH2 protein (p.Asn787Lys). The asparagine residue is weakly conserved and there is a moderate physicochemical difference between asparagine and lysine.